The following is an entry in ClinVar:

ClinVar aggregate classification (germline): Uncertain significance. Review status: criteria provided, multiple submitters, no conflicts (2 of 4 stars). 4 submissions from 4 submitters: Uncertain significance (4). Last evaluated 2024-12-24.

Conditions:
Inborn genetic diseases. Identifiers: MedGen C0950123, MeSH D030342.

Allele frequency attached by ClinVar (database versions not stated): gnomAD 0.00001 and 0.00002; gnomAD exomes 0.00001 and 0.00008; ExAC 0.00002; TOPMed 0.00005; 1000 Genomes Project 30x 0.00016; 1000 Genomes Project 0.00020.
gnomAD v4.1: 25 of 1,614,194 alleles (0.0015%); highest among the groups gnomAD compares: Admixed American, 0.028%; no homozygotes.

Submissions (4):

Ambry Genetics
Classification: Uncertain significance for Inborn genetic diseases. Last evaluated: 2024-12-24. Review status: criteria provided, single submitter. Criteria: Ambry Variant Classification Scheme 2023. Collection method: clinical testing. Allele origin: germline.

Labcorp Genetics (formerly Invitae), Labcorp
Classification: Uncertain significance. Last evaluated: 2022-08-16. Review status: criteria provided, single submitter. Criteria: Invitae Variant Classification Sherloc (09022015). Collection method: clinical testing. Allele origin: germline.
Comment: This sequence change replaces phenylalanine, which is neutral and non-polar, with isoleucine, which is neutral and non-polar, at codon 101 of the DPYS protein (p.Phe101Ile). This variant is present in population databases (rs557472597, gnomAD 0.04%). This variant has not been reported in the literature in individuals affected with DPYS-related conditions. ClinVar contains an entry for this variant (Variation ID: 1468091). Algorithms developed to predict the effect of missense changes on protein structure and function are either unavailable or do not agree on the potential impact of this missense change (SIFT: "Deleterious"; PolyPhen-2: "Probably Damaging"; Align-GVGD: "Class C15"). In summary, the available evidence is currently insufficient to determine the role of this variant in disease. Therefore, it has been classified as a Variant of Uncertain Significance.

Blueprint Genetics
Classification: Uncertain significance. Last evaluated: 2021-03-08. Review status: criteria provided, single submitter. Criteria: ACMG Guidelines, 2015. Collection method: clinical testing. Allele origin: germline.

Breakthrough Genomics
Classification: Uncertain significance. Review status: criteria provided, single submitter. Criteria: ACMG Guidelines, 2015. Collection method: not provided. Allele origin: germline. Inheritance: Autosomal recessive inheritance. Affected: yes.

NM_001385.3(DPYS):c.301T>A (p.Phe101Ile)

Gene: DPYS (dihydropyrimidinase; minus strand). Cytogenetic location: 8q22.3.
Variant type: single nucleotide variant.
Coding change: c.301T>A on transcript NM_001385.3 (MANE Select); coding-DNA position 301, T replaced by A.
Protein change: p.Phe101Ile; replaces phenylalanine 101 with isoleucine.
Molecular consequence: missense variant.
Genome position (GRCh38, 1-based): chr8:104,451,368, A>T on the plus strand (T>A on the coding strand, the complement: DPYS is on the minus strand). VCF-style: chr8-104451368-A-T. GRCh37 (hg19) VCF-style: chr8-105463596-A-T.
Other names: c.301T>A (NM_001385.2); short protein forms F101I.
Identifiers: ClinVar variation 1468091 (VCV001468091.6), dbSNP rs557472597, ClinGen allele CA4838605.